The following is an entry in ClinVar:

NM_001267550.2(TTN):c.95023_95024del (p.Ile31675fs)

Genes: TTN (titin; minus strand), TTN-AS1 (TTN antisense RNA 1; plus strand). Cytogenetic location: 2q31.2.
Variant type: Deletion.
Coding change: c.95023_95024del on transcript NM_001267550.2 (MANE Select); coding-DNA positions 95023 to 95024, 2 bases deleted (AT; older notation c.95023_95024delAT).
Protein change: p.Ile31675fs; shifts the reading frame from isoleucine 31675.
Molecular consequence: frameshift variant.
Genome position (GRCh38, 1-based): chr2:178,546,307-178,546,308, AT deleted on the plus strand (AT on the coding strand, the reverse complement: TTN is on the minus strand). VCF-style (leftmost placement, unchanged base first): chr2-178546306-GAT-G. GRCh37 (hg19) VCF-style: chr2-179411033-GAT-G.
Other names: c.67828_67829delAT (NM_003319.4); c.90100_90101del, p.Ile30034fs (NM_001256850.1); c.67828_67829del, p.Ile22610fs (NM_003319.4); c.87319_87320del, p.Ile29107fs (NM_133378.4); c.68203_68204del, p.Ile22735fs (NM_133432.3); c.68404_68405del, p.Ile22802fs (NM_133437.4); short protein forms I22735fs, I30034fs, I22610fs, I22802fs, I29107fs, I31675fs.
Identifiers: ClinVar variation 950738 (VCV000950738.12), dbSNP rs1697105934, ClinGen allele CA1139657412.
Genomic context (GRCh38, chr2:178,546,306, plus strand): 5'-CCCGCTGGCATTTTTCACTGTTAAAGTGTATTTTCCACTGTCACTTCTGTCACAGAACTT[GAT>G]CACAGCAGTTGCTCGTTTGCCAGTATACTGCAAAGAGACTTTTTCACAGAGATCTAGCTC-3'

ClinVar aggregate classification (germline): Likely pathogenic. Review status: criteria provided, multiple submitters, no conflicts (2 of 4 stars). 2 submissions from 2 submitters: Likely pathogenic (2). Last evaluated 2023-03-23.

Conditions:
Cardiovascular phenotype. Identifiers: MedGen CN230736.
Dilated cardiomyopathy 1G (CMD1G). Identifiers: Orphanet 154, MedGen C1858763, MONDO:0011400, OMIM 604145.
Autosomal recessive limb-girdle muscular dystrophy type 2J (LGMDR10). Also called: Limb-girdle muscular dystrophy, type 2J; MUSCULAR DYSTROPHY, LIMB-GIRDLE, AUTOSOMAL RECESSIVE 10. Identifiers: Orphanet 140922, MedGen C1837342, MONDO:0012127, OMIM 608807.

Submissions (2):

Labcorp Genetics (formerly Invitae), Labcorp
Classification: Likely pathogenic for Dilated cardiomyopathy 1G; Autosomal recessive limb-girdle muscular dystrophy type 2J. Last evaluated: 2023-03-23. Review status: criteria provided, single submitter. Criteria: Invitae Variant Classification Sherloc (09022015). Collection method: clinical testing. Allele origin: germline.
Comment: This sequence change creates a premature translational stop signal (p.Ile31675Glnfs*4) in the TTN gene. While this is not anticipated to result in nonsense mediated decay, it is expected to create a truncated TTN protein. This variant is not present in population databases (gnomAD no frequency). This variant has not been reported in the literature in individuals affected with TTN-related conditions. ClinVar contains an entry for this variant (Variation ID: 950738). This variant is located in the A band of TTN (PMID: 25589632). Truncating variants in this region are significantly overrepresented in patients affected with dilated cardiomyopathy (PMID: 25589632). Truncating variants in this region have also been reported in individuals affected with autosomal recessive centronuclear myopathy (PMID: 23975875). In summary, the currently available evidence indicates that the variant is pathogenic, but additional data are needed to prove that conclusively. Therefore, this variant has been classified as Likely Pathogenic.

Ambry Genetics
Classification: Likely pathogenic for Cardiovascular phenotype. Last evaluated: 2019-03-02. Review status: criteria provided, single submitter. Criteria: Ambry Variant Classification Scheme 2023. Collection method: clinical testing. Allele origin: germline.
Comment: The c.67828_67829delAT variant, located in coding exon 169 of the TTN gene, results from a deletion of two nucleotides at nucleotide positions 67828 to 67829, causing a translational frameshift with a predicted alternate stop codon (p.I22610Qfs*4). This exon is located in the A-band region of the N2-B isoform of the titin protein and is constitutively expressed in TTN transcripts (percent spliced in or PSI 100%). This alteration is expected to result in loss of function by premature protein truncation or nonsense-mediated mRNA decay. While truncating variants in TTN are present in 1-3% of the general population, truncating variants in the A-band are the most common cause of dilated cardiomyopathy (DCM) (Herman DS et al. N. Engl. J. Med., 2012 Feb;366:619-28; Roberts AM et al. Sci Transl Med, 2015 Jan;7:270ra6). TTN truncating variants encoded in constitutive exons (PSI >90%) have been found to be significantly associated with DCM regardless of their position in titin (Schafer S et al. Nat. Genet., 2017 01;49:46-53). As such, this alteration is classified as likely pathogenic.

Literature cited by the submitters: PubMed 25589632 (cited by Labcorp Genetics (formerly Invitae), Labcorp); PubMed 23975875 (cited by Labcorp Genetics (formerly Invitae), Labcorp).